The following is an entry in ClinVar:

ClinVar aggregate classification (germline): Uncertain significance (1 of 4 stars; one submission).

Conditions:
Hajdu-Cheney syndrome (HJCYS). Also called: ACROOSTEOLYSIS WITH OSTEOPOROSIS AND CHANGES IN SKULL AND MANDIBLE; SERPENTINE FIBULA-POLYCYSTIC KIDNEY SYNDROME; Acroosteolysis dominant type. Identifiers: Orphanet 955, MedGen C0917715, MONDO:0007057, OMIM 102500.

Allele frequency attached by ClinVar (database versions not stated): gnomAD 0.00001; TOPMed 0.00001; ExAC 0.00002; gnomAD exomes 0.00004.
gnomAD v4.1: 62 of 1,613,976 alleles (0.0038%); highest among the groups gnomAD compares: Non-Finnish European, 0.0052%; no homozygotes.

Submission:

Labcorp Genetics (formerly Invitae), Labcorp
Classification: Uncertain significance for Hajdu-Cheney syndrome. Last evaluated: 2025-08-29. Review status: criteria provided, single submitter. Criteria: Invitae Variant Classification Sherloc (09022015). Collection method: clinical testing. Allele origin: germline.
Comment: This sequence change replaces glutamic acid, which is acidic and polar, with lysine, which is basic and polar, at codon 710 of the NOTCH2 protein (p.Glu710Lys). This variant is present in population databases (rs782066959, gnomAD 0.004%). This variant has not been reported in the literature in individuals affected with NOTCH2-related conditions. ClinVar contains an entry for this variant (Variation ID: 1944774). Invitae Evidence Modeling of protein sequence and biophysical properties (such as structural, functional, and spatial information, amino acid conservation, physicochemical variation, residue mobility, and thermodynamic stability) indicates that this missense variant is not expected to disrupt NOTCH2 protein function with a negative predictive value of 80%. In summary, the available evidence is currently insufficient to determine the role of this variant in disease. Therefore, it has been classified as a Variant of Uncertain Significance.

NM_024408.4(NOTCH2):c.2128G>A (p.Glu710Lys)

Gene: NOTCH2 (notch receptor 2; minus strand). Cytogenetic location: 1p12.
Variant type: single nucleotide variant.
Coding change: c.2128G>A on transcript NM_024408.4 (MANE Select); coding-DNA position 2128, G replaced by A.
Protein change: p.Glu710Lys; replaces glutamic acid 710 with lysine.
Molecular consequence: missense variant.
Genome position (GRCh38, 1-based): chr1:119,955,131, C>T on the plus strand (G>A on the coding strand, the complement: NOTCH2 is on the minus strand). VCF-style: chr1-119955131-C-T. GRCh37 (hg19) VCF-style: chr1-120497754-C-T.
Other names: c.2128G>A, p.Glu710Lys (NM_001200001.2); short protein forms E710K.
Identifiers: ClinVar variation 1944774 (VCV001944774.5), dbSNP rs782066959, ClinGen allele CA1040373.